The following is an entry in ClinVar:

NM_001165963.4(SCN1A):c.383+66T>C

Gene: SCN1A (sodium voltage-gated channel alpha subunit 1; minus strand). Cytogenetic location: 2q24.3.
Variant type: single nucleotide variant.
Coding change: c.383+66T>C on transcript NM_001165963.4 (MANE Select); 66 bases into the intron after coding-DNA position 383, T replaced by C.
Molecular consequence: intron variant.
Genome position (GRCh38, 1-based): chr2:166,058,504, A>G on the plus strand (T>C on the coding strand, the complement: SCN1A is on the minus strand). VCF-style: chr2-166058504-A-G. GRCh37 (hg19) VCF-style: chr2-166915014-A-G.
Other names: c.383+66T>C (NM_001353949.2, NM_001353958.2, NM_001353950.2 and 10 more transcripts); c.-2043+66T>C (NM_001353961.2).
Identifiers: ClinVar variation 670595 (VCV000670595.4), dbSNP rs8191987, ClinGen allele CA59804304.

ClinVar aggregate classification (germline): Benign. Review status: criteria provided, multiple submitters, no conflicts (2 of 4 stars). 3 submissions from 3 submitters: Benign (3). Last evaluated 2024-07-15.

Allele frequency attached by ClinVar (database versions not stated): gnomAD exomes 0.16976; gnomAD 0.18995 and 0.19063; TOPMed 0.19866; 1000 Genomes Project 0.22544; 1000 Genomes Project 30x 0.22626.
gnomAD v4.1: 152,610 of 883,288 alleles (17%); highest among the groups gnomAD compares: East Asian, 34%; 15,466 homozygotes.

Submissions (3):

Unidad de Genómica Garrahan, Hospital de Pediatría Garrahan
Classification: Benign. Last evaluated: 2024-07-15. Review status: criteria provided, single submitter. Criteria: ACMG Guidelines, 2015. Collection method: clinical testing. Allele origin: germline. Affected: no. Observed: 37 variant alleles.
Comment: This variant is classified as Benign based on local population frequency. This variant was detected in 40% of patients studied in a panel designed for Epileptic and Developmental Encephalopathy and Progressive Myoclonus Epilepsy. Number of patients: 37. Only high quality variants are reported.

GeneDx
Classification: Benign. Last evaluated: 2018-06-18. Review status: criteria provided, single submitter. Criteria: GeneDx Variant Classification (06012015). Collection method: clinical testing. Allele origin: germline. Affected: yes.
Comment: This variant is considered likely benign or benign based on one or more of the following criteria: it is a conservative change, it occurs at a poorly conserved position in the protein, it is predicted to be benign by multiple in silico algorithms, and/or has population frequency not consistent with disease.

Breakthrough Genomics
Classification: Benign. Review status: criteria provided, single submitter. Criteria: ACMG Guidelines, 2015. Collection method: not provided. Allele origin: germline. Inheritance: Autosomal dominant inheritance. Affected: yes.